The following is an entry in ClinVar:

NM_021147.5(CCNO):c.482T>C (p.Leu161Pro)

Gene: CCNO (cyclin O; minus strand). Cytogenetic location: 5q11.2.
Variant type: single nucleotide variant.
Coding change: c.482T>C on transcript NM_021147.5 (MANE Select); coding-DNA position 482, T replaced by C.
Protein change: p.Leu161Pro; replaces leucine 161 with proline.
Molecular consequence: missense variant. On other transcripts: non-coding transcript variant (3).
Genome position (GRCh38, 1-based): chr5:55,232,446, A>G on the plus strand (T>C on the coding strand, the complement: CCNO is on the minus strand). VCF-style: chr5-55232446-A-G. GRCh37 (hg19) VCF-style: chr5-54528274-A-G.
Other names: short protein forms L161P.
Identifiers: ClinVar variation 952759 (VCV000952759.10), dbSNP rs535119119, ClinGen allele CA118943935.

ClinVar aggregate classification (germline): Uncertain significance (1 of 4 stars; one submission).

Conditions:
Primary ciliary dyskinesia. Also called: Ciliary dyskinesia. Identifiers: Orphanet 244, MedGen C0008780, MONDO:0016575, HP:0012265.

Allele frequency attached by ClinVar (database versions not stated): gnomAD 0.00001; 1000 Genomes Project 30x 0.00016; 1000 Genomes Project 0.00020; gnomAD exomes below 0.00001; TOPMed below 0.00001.
gnomAD v4.1: 2 of 1,614,080 alleles (0.00012%); highest among the groups gnomAD compares: Non-Finnish European, 0.00017%; no homozygotes.

Submission:

Labcorp Genetics (formerly Invitae), Labcorp
Classification: Uncertain significance for Primary ciliary dyskinesia. Last evaluated: 2019-07-09. Review status: criteria provided, single submitter. Criteria: Invitae Variant Classification Sherloc (09022015). Collection method: clinical testing. Allele origin: germline.
Comment: In summary, the available evidence is currently insufficient to determine the role of this variant in disease. Therefore, it has been classified as a Variant of Uncertain Significance. Algorithms developed to predict the effect of missense changes on protein structure and function (SIFT, PolyPhen-2, Align-GVGD) all suggest that this variant is likely to be disruptive, but these predictions have not been confirmed by published functional studies and their clinical significance is uncertain. This variant has not been reported in the literature in individuals with CCNO-related conditions. This variant is not present in population databases (ExAC no frequency). This sequence change replaces leucine with proline at codon 161 of the CCNO protein (p.Leu161Pro). The leucine residue is moderately conserved and there is a moderate physicochemical difference between leucine and proline.